The following is an entry in ClinVar:

NM_002972.4(SBF1):c.4087-13G>A

Gene: SBF1 (SET binding factor 1; minus strand). Cytogenetic location: 22q13.33.
Variant type: single nucleotide variant.
Coding change: c.4087-13G>A on transcript NM_002972.4 (MANE Select); 13 bases into the intron before coding-DNA position 4087, G replaced by A.
Molecular consequence: intron variant.
Genome position (GRCh38, 1-based): chr22:50,456,408, C>T on the plus strand (G>A on the coding strand, the complement: SBF1 is on the minus strand). VCF-style: chr22-50456408-C-T. GRCh37 (hg19) VCF-style: chr22-50894837-C-T.
Other names: c.4009-13G>A (NM_001410795.1); c.4012-13G>A (NM_001365819.1); c.4090-13G>A (NM_001410794.1).
Identifiers: ClinVar variation 3680879 (VCV003680879.2).

ClinVar aggregate classification (germline): Uncertain significance (1 of 4 stars; one submission).

gnomAD v4.1: 4 of 1,610,448 alleles (0.00025%); highest among the groups gnomAD compares: Non-Finnish European, 0.00034%; no homozygotes.

Submission:

Labcorp Genetics (formerly Invitae), Labcorp
Classification: Uncertain significance. Last evaluated: 2024-06-28. Review status: criteria provided, single submitter. Criteria: Invitae Variant Classification Sherloc (09022015). Collection method: clinical testing. Allele origin: germline.
Comment: This sequence change falls in intron 30 of the SBF1 gene. It does not directly change the encoded amino acid sequence of the SBF1 protein. This variant is not present in population databases (gnomAD no frequency). This variant has not been reported in the literature in individuals affected with SBF1-related conditions. Algorithms developed to predict the effect of sequence changes on RNA splicing suggest that this variant may disrupt the consensus splice site. In summary, the available evidence is currently insufficient to determine the role of this variant in disease. Therefore, it has been classified as a Variant of Uncertain Significance.